The following is an entry in ClinVar:

ClinVar aggregate classification (germline): Benign. Review status: criteria provided, multiple submitters, no conflicts (2 of 4 stars). 2 submissions from 2 submitters: Benign (2). Last evaluated 2016-09-12.

Allele frequency attached by ClinVar (database versions not stated): gnomAD exomes 0.00460 and 0.01109; gnomAD 0.01228 and 0.01377; TOPMed 0.01376; ExAC 0.01978; 1000 Genomes Project 0.02855; 1000 Genomes Project 30x 0.02873.
gnomAD v4.1: 8,867 of 1,593,224 alleles (0.56%); highest among the groups gnomAD compares: South Asian, 5.3%; 222 homozygotes.

Submissions (2):

GeneDx
Classification: Benign. Last evaluated: 2016-09-12. Review status: criteria provided, single submitter. Criteria: GeneDx Variant Classification (06012015). Collection method: clinical testing. Allele origin: germline. Affected: yes.
Comment: This variant is considered likely benign or benign based on one or more of the following criteria: it is a conservative change, it occurs at a poorly conserved position in the protein, it is predicted to be benign by multiple in silico algorithms, and/or has population frequency not consistent with disease.

Breakthrough Genomics
Classification: Benign. Review status: criteria provided, single submitter. Criteria: ACMG Guidelines, 2015. Collection method: not provided. Allele origin: germline. Inheritance: Autosomal recessive inheritance. Affected: yes.

NM_015681.6(B9D1):c.473-93A>G

Gene: B9D1 (B9 domain containing 1; minus strand). Cytogenetic location: 17p11.2.
Variant type: single nucleotide variant.
Coding change: c.473-93A>G on transcript NM_015681.6 (MANE Select); 93 bases into the intron before coding-DNA position 473, A replaced by G.
Molecular consequence: intron variant. On other transcripts: 3 prime UTR variant (1).
Genome position (GRCh38, 1-based): chr17:19,343,554, T>C on the plus strand (A>G on the coding strand, the complement: B9D1 is on the minus strand). VCF-style: chr17-19343554-T-C. GRCh37 (hg19) VCF-style: chr17-19246867-T-C.
Other names: c.*156A>G (NM_001321215.3); c.112+236A>G (NM_001368769.2); c.404+3715A>G (NM_001321219.2); c.472+236A>G (NM_001321218.2, NM_001321217.2); c.473-4A>G (NM_001321214.2); c.473-59A>G (NM_001330149.2).
Identifiers: ClinVar variation 379638 (VCV000379638.2), dbSNP rs7221577, ClinGen allele CA8440102.
Genomic context (GRCh38, chr17:19,343,554, plus strand): 5'-GGCTGGGGCAGAGAGAGACCCAGGTTGATCTGGGAATCTCAGCCTCAGCGTTCTCATCTG[T>C]AAAATGGGGACAACAGTGCCTGACCCAAGCCCCTCACTGGGAGGTAAAGGGGCTGCCGGG-3'